The following is an entry in ClinVar:

ClinVar aggregate classification (germline): Uncertain significance. Review status: criteria provided, multiple submitters, no conflicts (2 of 4 stars). 2 submissions from 2 submitters: Uncertain significance (2). Last evaluated 2023-06-30.

Conditions:
Hereditary cancer-predisposing syndrome. Also called: Neoplastic Syndromes, Hereditary; Hereditary Cancer Syndrome; Tumor predisposition; Hereditary neoplastic syndrome. Identifiers: Orphanet 140162, MedGen C0027672, MeSH D009386, MONDO:0015356.

Allele frequency attached by ClinVar (database versions not stated): gnomAD exomes below 0.00001.
gnomAD v4.1: 1 of 1,610,646 alleles (0.000062%); highest among the groups gnomAD compares: Non-Finnish European, 0.000085%; no homozygotes.

Submissions (2):

Ambry Genetics
Classification: Uncertain significance for Hereditary cancer-predisposing syndrome. Last evaluated: 2023-06-30. Review status: criteria provided, single submitter. Criteria: Ambry Variant Classification Scheme 2023. Collection method: clinical testing. Allele origin: germline.
Comment: The p.E2328G variant (also known as c.6983A>G), located in coding exon 12 of the BRCA2 gene, results from an A to G substitution at nucleotide position 6983. The glutamic acid at codon 2328 is replaced by glycine, an amino acid with similar properties. This alteration has been reported in 1/1197 individuals from Greece, Romania, and Turkey undergoing evaluation for inherited cancer predisposition (Tsaousis GN et al. BMC Cancer, 2019 Jun;19:535). This amino acid position is not well conserved in available vertebrate species. In addition, the in silico prediction for this alteration is inconclusive. Since supporting evidence is limited at this time, the clinical significance of this alteration remains unclear.

GeneKor MSA
Classification: Uncertain significance for Hereditary cancer-predisposing syndrome. Last evaluated: 2018-08-01. Review status: criteria provided, single submitter. Criteria: ACMG Guidelines, 2015. Collection method: clinical testing. Allele origin: germline. Affected: yes.

Literature cited by the submitters: PubMed 31159747 (cited by Ambry Genetics).

NM_000059.4(BRCA2):c.6983A>G (p.Glu2328Gly)

Gene: BRCA2 (BRCA2 DNA repair associated; plus strand). Cytogenetic location: 13q13.1.
Variant type: single nucleotide variant.
Coding change: c.6983A>G on transcript NM_000059.4 (MANE Select); coding-DNA position 6983, A replaced by G.
Protein change: p.Glu2328Gly; replaces glutamic acid 2328 with glycine.
Molecular consequence: missense variant.
Genome position (GRCh38, 1-based): chr13:32,346,872, A>G. VCF-style: chr13-32346872-A-G. GRCh37 (hg19) VCF-style: chr13-32921009-A-G.
Other names: short protein forms E2328G.
Identifiers: ClinVar variation 584512 (VCV000584512.3), dbSNP rs201500887, ClinGen allele CA387793100.